The following is an entry in ClinVar:

ClinVar aggregate classification (germline): Uncertain significance. Review status: criteria provided, multiple submitters, no conflicts (2 of 4 stars). 3 submissions from 3 submitters: Uncertain significance (3). Last evaluated 2024-12-24.

Conditions:
ALDH18A1-related de Barsy syndrome. Also called: Cutis laxa, autosomal recessive IIIA; DE BARSY SYNDROME A. Identifiers: Orphanet 2962, Orphanet 35664, MedGen C5234852, MONDO:0009053, OMIM 219150.
Cutis laxa, autosomal dominant 3 (ADCL3). Identifiers: Orphanet 90348, MedGen C4225268, MONDO:0014706, OMIM 616603.
Autosomal dominant spastic paraplegia type 9. Identifiers: MedGen C1832669, MONDO:0015091.
de Barsy syndrome. Also called: Cutis laxa-corneal clouding-oligophrenia syndrome. Identifiers: Orphanet 2962, MedGen C0268354, MONDO:0017569.

Allele frequency attached by ClinVar (database versions not stated): gnomAD 0.00002; gnomAD exomes 0.00002; TOPMed 0.00002; ExAC 0.00003; ESP Exome Variant Server 0.00008.
gnomAD v4.1: 26 of 1,613,900 alleles (0.0016%); highest among the groups gnomAD compares: Admixed American, 0.012%; no homozygotes.

Submissions (3):

Labcorp Genetics (formerly Invitae), Labcorp
Classification: Uncertain significance for Autosomal dominant spastic paraplegia type 9; de Barsy syndrome; Cutis laxa, autosomal dominant 3. Last evaluated: 2024-12-24. Review status: criteria provided, single submitter. Criteria: Invitae Variant Classification Sherloc (09022015). Collection method: clinical testing. Allele origin: germline.
Comment: This sequence change replaces valine, which is neutral and non-polar, with isoleucine, which is neutral and non-polar, at codon 700 of the ALDH18A1 protein (p.Val700Ile). This variant is present in population databases (rs375705932, gnomAD 0.01%). This variant has not been reported in the literature in individuals affected with ALDH18A1-related conditions. ClinVar contains an entry for this variant (Variation ID: 301759). Invitae Evidence Modeling of protein sequence and biophysical properties (such as structural, functional, and spatial information, amino acid conservation, physicochemical variation, residue mobility, and thermodynamic stability) indicates that this missense variant is not expected to disrupt ALDH18A1 protein function with a negative predictive value of 95%. In summary, the available evidence is currently insufficient to determine the role of this variant in disease. Therefore, it has been classified as a Variant of Uncertain Significance.

CeGaT Center for Human Genetics Tuebingen
Classification: Uncertain significance. Last evaluated: 2018-08-01. Review status: criteria provided, single submitter. Criteria: CeGaT Center For Human Genetics Tuebingen Variant Classification Criteria Version 2. Collection method: clinical testing. Allele origin: germline. Affected: yes. Observed: 1 variant allele.

Illumina Laboratory Services, Illumina
Classification: Uncertain significance for ALDH18A1-related de Barsy syndrome. Last evaluated: 2018-01-13. Review status: criteria provided, single submitter. Criteria: ICSL Variant Classification Criteria 13 December 2019. Collection method: clinical testing. Allele origin: germline.

NM_002860.4(ALDH18A1):c.2098G>A (p.Val700Ile)

Gene: ALDH18A1 (aldehyde dehydrogenase 18 family member A1; minus strand). Cytogenetic location: 10q24.1.
Variant type: single nucleotide variant.
Coding change: c.2098G>A on transcript NM_002860.4 (MANE Select); coding-DNA position 2098, G replaced by A.
Protein change: p.Val700Ile; replaces valine 700 with isoleucine.
Molecular consequence: missense variant.
Genome position (GRCh38, 1-based): chr10:95,611,268, C>T on the plus strand (G>A on the coding strand, the complement: ALDH18A1 is on the minus strand). VCF-style: chr10-95611268-C-T. GRCh37 (hg19) VCF-style: chr10-97371025-C-T.
Other names: c.2092G>A, p.Val698Ile (NM_001017423.2, NM_001323415.2); c.1765G>A, p.Val589Ile (NM_001323412.2, NM_001323416.2); c.2098G>A, p.Val700Ile (NM_001323413.2, NM_001323414.2); c.1993G>A, p.Val665Ile (NM_001323417.2); c.1759G>A, p.Val587Ile (NM_001323418.2); c.1462G>A, p.Val488Ile (NM_001323419.2); short protein forms V700I, V589I, V587I, V698I, V488I, V665I.
Identifiers: ClinVar variation 301759 (VCV000301759.51), dbSNP rs375705932, ClinGen allele CA5620155.